The following is an entry in ClinVar:

ClinVar aggregate classification (germline): Uncertain significance. Review status: criteria provided, multiple submitters, no conflicts (2 of 4 stars). 4 submissions from 4 submitters: Uncertain significance (4). Last evaluated 2025-09-05.

Conditions:
Familial thoracic aortic aneurysm and aortic dissection (TAAD). Also called: Thoracic aortic aneurysms and dissections. Identifiers: Orphanet 91387, MedGen C4707243, MONDO:0019625.
Loeys-Dietz syndrome 2 (LDS2). Also called: TGFBR2-Related Loeys-Dietz Syndrome; Marfan Syndrome type 2; Marfan like connective tissue disorder; MFS 2; AORTIC ANEURYSM, FAMILIAL THORACIC 3; MARFAN SYNDROME, TYPE II. Identifiers: Orphanet 284973, Orphanet 558, MedGen C2674574, MONDO:0012427, OMIM 610168.

Allele frequency attached by ClinVar (database versions not stated): gnomAD exomes below 0.00001.
gnomAD v4.1: 3 of 1,614,200 alleles (0.00019%); highest among the groups gnomAD compares: Non-Finnish European, 0.00025%; no homozygotes.

Submissions (4):

Color Diagnostics, LLC DBA Color Health
Classification: Uncertain significance for Familial thoracic aortic aneurysm and aortic dissection. Last evaluated: 2025-09-05. Review status: criteria provided, single submitter. Criteria: ACMG Guidelines, 2015. Collection method: clinical testing. Allele origin: germline.
Comment: This missense variant replaces serine with arginine at codon 156 of the TGFBR2 protein. Computational prediction suggests that this variant may not impact protein structure and function. To our knowledge, functional studies have not been reported for this variant. This variant has not been reported in individuals affected with TGFBR2-related disorders in the literature. This variant has not been identified in the general population by the Genome Aggregation Database (gnomAD). The available evidence is insufficient to determine the role of this variant in disease conclusively. Therefore, this variant is classified as a Variant of Uncertain Significance.

Labcorp Genetics (formerly Invitae), Labcorp
Classification: Uncertain significance for Familial thoracic aortic aneurysm and aortic dissection. Last evaluated: 2025-02-20. Review status: criteria provided, single submitter. Criteria: Invitae Variant Classification Sherloc (09022015). Collection method: clinical testing. Allele origin: germline.
Comment: This sequence change replaces serine, which is neutral and polar, with arginine, which is basic and polar, at codon 156 of the TGFBR2 protein (p.Ser156Arg). This variant is not present in population databases (gnomAD no frequency). This variant has not been reported in the literature in individuals affected with TGFBR2-related conditions. ClinVar contains an entry for this variant (Variation ID: 1742448). Invitae Evidence Modeling of protein sequence and biophysical properties (such as structural, functional, and spatial information, amino acid conservation, physicochemical variation, residue mobility, and thermodynamic stability) indicates that this missense variant is not expected to disrupt TGFBR2 protein function with a negative predictive value of 95%. In summary, the available evidence is currently insufficient to determine the role of this variant in disease. Therefore, it has been classified as a Variant of Uncertain Significance.

All of Us Research Program, National Institutes of Health
Classification: Uncertain significance for Loeys-Dietz syndrome 2. Last evaluated: 2023-09-17. Review status: criteria provided, single submitter. Criteria: ACMG Guidelines, 2015. Collection method: clinical testing. Allele origin: germline. Inheritance: Autosomal dominant inheritance. Observed: 1 variant allele, 1 heterozygote.
Comment: This missense variant replaces serine with arginine at codon 156 of the TGFBR2 protein. Computational prediction suggests that this variant may not impact protein structure and function (internally defined REVEL score threshold <= 0.5, PMID: 27666373). To our knowledge, functional studies have not been reported for this variant. This variant has not been reported in individuals affected with TGFBR2-related disorders in the literature. This variant has not been identified in the general population by the Genome Aggregation Database (gnomAD). The available evidence is insufficient to determine the role of this variant in disease conclusively. Therefore, this variant is classified as a Variant of Uncertain Significance.

This study involves interpretation of variants in research participants for the purpose of population health screening. Participant phenotype was not available at the time of variant classification. Additional details can be found in publication PMID: 35346344, PMCID: PMC8962531

Ambry Genetics
Classification: Uncertain significance for Familial thoracic aortic aneurysm and aortic dissection. Last evaluated: 2021-10-11. Review status: criteria provided, single submitter. Criteria: Ambry Variant Classification Scheme 2023. Collection method: clinical testing. Allele origin: germline.
Comment: The p.S156R variant (also known as c.468C>G), located in coding exon 4 of the TGFBR2 gene, results from a C to G substitution at nucleotide position 468. The serine at codon 156 is replaced by arginine, an amino acid with dissimilar properties. This amino acid position is conserved. In addition, this alteration is predicted to be tolerated by in silico analysis. Since supporting evidence is limited at this time, the clinical significance of this alteration remains unclear.

NM_003242.6(TGFBR2):c.468C>G (p.Ser156Arg)

Gene: TGFBR2 (transforming growth factor beta receptor 2; plus strand). Cytogenetic location: 3p24.1.
Variant type: single nucleotide variant.
Coding change: c.468C>G on transcript NM_003242.6 (MANE Select); coding-DNA position 468, C replaced by G.
Protein change: p.Ser156Arg; replaces serine 156 with arginine.
Molecular consequence: missense variant.
Genome position (GRCh38, 1-based): chr3:30,671,651, C>G. VCF-style: chr3-30671651-C-G. GRCh37 (hg19) VCF-style: chr3-30713143-C-G.
Other names: c.543C>G, p.Ser181Arg (NM_001024847.3); c.651C>G, p.Ser217Arg (NM_001407126.1); c.576C>G, p.Ser192Arg (NM_001407127.1); c.495C>G, p.Ser165Arg (NM_001407128.1); c.363C>G, p.Ser121Arg (NM_001407133.1, NM_001407132.1, NM_001407134.1 and 2 more transcripts); c.471C>G, p.Ser157Arg (NM_001407129.1); c.468C>G, p.Ser156Arg (NM_001407130.1); c.183C>G, p.Ser61Arg (NM_001407137.1); and 1 more; short protein forms S192R, S121R, S156R, S217R, S157R, S165R, S181R, S36R.
Identifiers: ClinVar variation 1742448 (VCV001742448.7), dbSNP rs2125433215, ClinGen allele CA351807179.
Genomic context (GRCh38, chr3:30,671,651, plus strand): 5'-ACCTACCACATCCAACTCCTTCTCTCCTTGTTTTGTTTCCCCATCAGAATATAACACCAG[C>G]AATCCTGACTTGTTGCTAGTCATATTTCAAGTGACAGGCATCAGCCTCCTGCCACCACTG-3'
Protein context (NP_003233.4, residues 146-166): NIIFSEEYNT[Ser156Arg]NPDLLLVIFQ